The following is an entry in ClinVar:

NM_017617.5(NOTCH1):c.8C>T (p.Pro3Leu)

Genes: NOTCH1 (notch receptor 1; minus strand), LOC130003020 (ATAC-STARR-seq lymphoblastoid silent region 20528; plus strand). Cytogenetic location: 9q34.3.
Variant type: single nucleotide variant.
Coding change: c.8C>T on transcript NM_017617.5 (MANE Select); coding-DNA position 8, C replaced by T.
Protein change: p.Pro3Leu; replaces proline 3 with leucine.
Molecular consequence: missense variant.
Genome position (GRCh38, 1-based): chr9:136,545,779, G>A on the plus strand (C>T on the coding strand, the complement: NOTCH1 is on the minus strand). VCF-style: chr9-136545779-G-A. GRCh37 (hg19) VCF-style: chr9-139440231-G-A.
Other names: short protein forms P3L.
Identifiers: ClinVar variation 4692927 (VCV004692927.1).

ClinVar aggregate classification (germline): Uncertain significance (1 of 4 stars; one submission).

Conditions:
Adams-Oliver syndrome 5 (AOS5). Identifiers: Orphanet 974, MedGen C4014970, MONDO:0014459, OMIM 616028.

Submission:

Labcorp Genetics (formerly Invitae), Labcorp
Classification: Uncertain significance for Adams-Oliver syndrome 5. Last evaluated: 2025-08-21. Review status: criteria provided, single submitter. Criteria: Invitae Variant Classification Sherloc (09022015). Collection method: clinical testing. Allele origin: germline.
Comment: This sequence change replaces proline, which is neutral and non-polar, with leucine, which is neutral and non-polar, at codon 3 of the NOTCH1 protein (p.Pro3Leu). This variant is not present in population databases (gnomAD no frequency). This variant has not been reported in the literature in individuals affected with NOTCH1-related conditions. Invitae Evidence Modeling of protein sequence and biophysical properties (such as structural, functional, and spatial information, amino acid conservation, physicochemical variation, residue mobility, and thermodynamic stability) indicates that this missense variant is not expected to disrupt NOTCH1 protein function with a negative predictive value of 95%. In summary, the available evidence is currently insufficient to determine the role of this variant in disease. Therefore, it has been classified as a Variant of Uncertain Significance.